The following is an entry in ClinVar:

NM_001042492.3(NF1):c.4093T>C (p.Cys1365Arg)

Gene: NF1 (neurofibromin 1; plus strand). Cytogenetic location: 17q11.2.
Variant type: single nucleotide variant.
Coding change: c.4093T>C on transcript NM_001042492.3 (MANE Select); coding-DNA position 4093, T replaced by C.
Protein change: p.Cys1365Arg; replaces cysteine 1365 with arginine.
Molecular consequence: missense variant.
Genome position (GRCh38, 1-based): chr17:31,249,102, T>C. VCF-style: chr17-31249102-T-C. GRCh37 (hg19) VCF-style: chr17-29576120-T-C.
Other names: c.4093T>C, p.Cys1365Arg (NM_000267.4); short protein forms C1365R.
Identifiers: ClinVar variation 1462096 (VCV001462096.9), dbSNP rs1364158639, ClinGen allele CA398995067.

ClinVar aggregate classification (germline): Uncertain significance. Review status: criteria provided, multiple submitters, no conflicts (2 of 4 stars). 2 submissions from 2 submitters: Uncertain significance (2). Last evaluated 2025-12-10.

Conditions:
Cardiovascular phenotype. Identifiers: MedGen CN230736.
Hereditary cancer-predisposing syndrome. Also called: Neoplastic Syndromes, Hereditary; Hereditary Cancer Syndrome; Tumor predisposition; Hereditary neoplastic syndrome. Identifiers: Orphanet 140162, MedGen C0027672, MeSH D009386, MONDO:0015356.
Neurofibromatosis, type 1 (NF1). Also called: NEUROFIBROMATOSIS, TYPE I, SOMATIC; VON RECKLINGHAUSEN DISEASE; Peripheral type neurofibromatosis; Neurofibromatosis, type I. Identifiers: Orphanet 636, MedGen C0027831, MONDO:0018975, OMIM 162200. Disease mechanism: loss of function.

Submissions (2):

Ambry Genetics
Classification: Uncertain significance for Cardiovascular phenotype; Hereditary cancer-predisposing syndrome. Last evaluated: 2025-12-10. Review status: criteria provided, single submitter. Criteria: Ambry Variant Classification Scheme 2023. Collection method: clinical testing. Allele origin: germline.
Comment: The p.C1365R variant (also known as c.4093T>C), located in coding exon 30 of the NF1 gene, results from a T to C substitution at nucleotide position 4093. The cysteine at codon 1365 is replaced by arginine, an amino acid with highly dissimilar properties. This amino acid position is highly conserved in available vertebrate species. In addition, this alteration is predicted to be deleterious by in silico analysis. Based on the available evidence, the clinical significance of this variant remains unclear.

Labcorp Genetics (formerly Invitae), Labcorp
Classification: Uncertain significance for Neurofibromatosis, type 1. Last evaluated: 2023-10-20. Review status: criteria provided, single submitter. Criteria: Invitae Variant Classification Sherloc (09022015). Collection method: clinical testing. Allele origin: germline.
Comment: This sequence change replaces cysteine, which is neutral and slightly polar, with arginine, which is basic and polar, at codon 1365 of the NF1 protein (p.Cys1365Arg). This variant is not present in population databases (gnomAD no frequency). This variant has not been reported in the literature in individuals affected with NF1-related conditions. ClinVar contains an entry for this variant (Variation ID: 1462096). Advanced modeling of protein sequence and biophysical properties (such as structural, functional, and spatial information, amino acid conservation, physicochemical variation, residue mobility, and thermodynamic stability) performed at Invitae indicates that this missense variant is expected to disrupt NF1 protein function. In summary, the available evidence is currently insufficient to determine the role of this variant in disease. Therefore, it has been classified as a Variant of Uncertain Significance.